The following is an entry in ClinVar:

NM_006031.6(PCNT):c.5443C>T (p.Gln1815Ter)

Gene: PCNT (pericentrin; plus strand). Cytogenetic location: 21q22.3.
Variant type: single nucleotide variant.
Coding change: c.5443C>T on transcript NM_006031.6 (MANE Select); coding-DNA position 5443, C replaced by T.
Protein change: p.Gln1815Ter; replaces glutamine 1815 with a stop codon.
Molecular consequence: nonsense.
Genome position (GRCh38, 1-based): chr21:46,411,516, C>T. VCF-style: chr21-46411516-C-T. GRCh37 (hg19) VCF-style: chr21-47831430-C-T.
Other names: c.5089C>T, p.Gln1697Ter (NM_001315529.2); short protein forms Q1697*, Q1815*.
Identifiers: ClinVar variation 976184 (VCV000976184.1), dbSNP rs750764149, ClinGen allele CA410553497.

ClinVar aggregate classification (germline): Likely pathogenic (1 of 4 stars; one submission).

Conditions:
Microcephalic osteodysplastic primordial dwarfism type II (MOPD2). Also called: Microcephalic osteodysplastic primordial dwarfism with tooth abnormalities; MOPD II; OSTEODYSPLASTIC PRIMORDIAL DWARFISM, TYPE II. Identifiers: Orphanet 2637, MedGen C0432246, MONDO:0008872, OMIM 210720.

Submission:

Institute of Human Genetics, University of Leipzig Medical Center
Classification: Likely pathogenic for Microcephalic osteodysplastic primordial dwarfism type II. Last evaluated: 2018-03-08. Review status: criteria provided, single submitter. Criteria: ACMG Guidelines, 2015. Collection method: clinical testing. Allele origin: germline. Affected: yes. Observed: 1 variant allele.
Comment: This variant was identified as homozygous